The following is an entry in ClinVar:

NM_000342.4(SLC4A1):c.2418T>C (p.Phe806=)

Gene: SLC4A1 (solute carrier family 4 member 1 (Diego blood group); minus strand). Cytogenetic location: 17q21.31.
Variant type: single nucleotide variant.
Coding change: c.2418T>C on transcript NM_000342.4 (MANE Select); coding-DNA position 2418, T replaced by C.
Protein change: p.Phe806=; no amino-acid change (phenylalanine 806 retained).
Molecular consequence: synonymous variant.
Genome position (GRCh38, 1-based): chr17:44,251,482, A>G on the plus strand (T>C on the coding strand, the complement: SLC4A1 is on the minus strand). VCF-style: chr17-44251482-A-G. GRCh37 (hg19) VCF-style: chr17-42328850-A-G.
Identifiers: ClinVar variation 3347232 (VCV003347232.1).

ClinVar aggregate classification (germline): Likely benign (0 of 4 stars; one submission).

Conditions:
SLC4A1-related disorder. Also called: SLC4A1-related condition; SLC4A1-related disorders.

Submission:

PreventionGenetics, part of Exact Sciences
Classification: Likely benign for SLC4A1-related condition. Last evaluated: 2024-09-24. Review status: no assertion criteria provided. Collection method: clinical testing. Allele origin: germline.
Comment: This variant is classified as likely benign based on ACMG/AMP sequence variant interpretation guidelines (Richards et al. 2015 PMID: 25741868, with internal and published modifications).